The following is an entry in ClinVar:

NM_001035.3(RYR2):c.4060C>G (p.Leu1354Val)

Genes: RYR2 (ryanodine receptor 2; plus strand), LOC126806067 (BRD4-independent group 4 enhancer GRCh37_chr1:237753258-237754457; plus strand). Cytogenetic location: 1q43.
Variant type: single nucleotide variant.
Coding change: c.4060C>G on transcript NM_001035.3 (MANE Select); coding-DNA position 4060, C replaced by G.
Protein change: p.Leu1354Val; replaces leucine 1354 with valine.
Molecular consequence: missense variant.
Genome position (GRCh38, 1-based): chr1:237,590,892, C>G. VCF-style: chr1-237590892-C-G. GRCh37 (hg19) VCF-style: chr1-237754192-C-G.
Other names: short protein forms L1354V.
Identifiers: ClinVar variation 4771941 (VCV004771941.1).
Genomic context (GRCh38, chr1:237,590,892, plus strand): 5'-TTGGAAGATTATGATGCTGATTCTGACTTTGAGGTTCTGATGAAGACAGCTCATGGCCAT[C>G]TAGTGCCCGATCGTGTTGACAAAGACAAAGAAGCTACTAAACCAGAGTTTAACAACCACA-3'
Protein context (NP_001026.2, residues 1344-1364): EVLMKTAHGH[Leu1354Val]VPDRVDKDKE

ClinVar aggregate classification (germline): Uncertain significance (1 of 4 stars; one submission).

Conditions:
Catecholaminergic polymorphic ventricular tachycardia 1. Also called: VENTRICULAR TACHYCARDIA, STRESS-INDUCED POLYMORPHIC 1; RYR2-Related Catecholaminergic Polymorphic Ventricular Tachycardia; VENTRICULAR TACHYCARDIA, CATECHOLAMINERGIC POLYMORPHIC, 1, WITH OR WITHOUT ATRIAL DYSFUNCTION AND/OR DILATED CARDIOMYOPATHY. Identifiers: Orphanet 3286, MedGen C1631597, MONDO:0011484, OMIM 604772.

Submission:

Labcorp Genetics (formerly Invitae), Labcorp
Classification: Uncertain significance for Catecholaminergic polymorphic ventricular tachycardia 1. Last evaluated: 2025-10-14. Review status: criteria provided, single submitter. Criteria: Invitae Variant Classification Sherloc (09022015). Collection method: clinical testing. Allele origin: germline.
Comment: This sequence change replaces leucine, which is neutral and non-polar, with valine, which is neutral and non-polar, at codon 1354 of the RYR2 protein (p.Leu1354Val). This variant is not present in population databases (gnomAD no frequency). This variant has not been reported in the literature in individuals affected with RYR2-related conditions. Invitae Evidence Modeling of protein sequence and biophysical properties (such as structural, functional, and spatial information, amino acid conservation, physicochemical variation, residue mobility, and thermodynamic stability) indicates that this missense variant is not expected to disrupt RYR2 protein function with a negative predictive value of 95%. In summary, the available evidence is currently insufficient to determine the role of this variant in disease. Therefore, it has been classified as a Variant of Uncertain Significance.